The following is an entry in ClinVar:

NM_000059.4(BRCA2):c.1887_1893del (p.Thr630fs)

Gene: BRCA2 (BRCA2 DNA repair associated; plus strand). Cytogenetic location: 13q13.1.
Variant type: Deletion.
Coding change: c.1887_1893del on transcript NM_000059.4 (MANE Select); coding-DNA positions 1887 to 1893, 7 bases deleted (TACATTT; older notation c.1887_1893delTACATTT).
Protein change: p.Thr630fs; shifts the reading frame from threonine 630.
Molecular consequence: frameshift variant.
Genome position (GRCh38, 1-based): chr13:32,333,365-32,333,371, TACATTT deleted; deleting any 7 consecutive bases within chr13:32,333,364-32,333,371 gives the same sequence; the c. name uses the placement nearest the transcript's 3' end. VCF-style (leftmost placement, unchanged base first): chr13-32333363-CTTACATT-C. GRCh37 (hg19) VCF-style: chr13-32907500-CTTACATT-C.
Other names: c.1887_1893delTACATTT (NM_000059.3).
Identifiers: ClinVar variation 438956 (VCV000438956.16), dbSNP rs1555282146, ClinGen allele CA609453771.

ClinVar aggregate classification (germline): Pathogenic. Review status: reviewed by expert panel (3 of 4 stars). 4 submissions from 4 submitters: Pathogenic (1). 3 of the submissions do not count toward it. Last evaluated 2017-12-15.

Conditions:
Breast-ovarian cancer, familial, susceptibility to, 2 (BROVCA2). Also called: BRCA2 Hereditary Breast and Ovarian Cancer. Identifiers: Orphanet 145, MedGen C2675520, MONDO:0012933, OMIM 612555. Disease mechanism: loss of function.
Hereditary cancer-predisposing syndrome. Also called: Hereditary Cancer Syndrome; Hereditary neoplastic syndrome; Tumor predisposition; Neoplastic Syndromes, Hereditary. Identifiers: Orphanet 140162, MedGen C0027672, MeSH D009386, MONDO:0015356.
Hereditary breast ovarian cancer syndrome. Also called: Hereditary breast and ovarian cancer syndrome; BRCA1- and BRCA2-Associated Hereditary Breast and Ovarian Cancer; Hereditary breast and ovarian cancer syndrome (HBOC); Hereditary breast and/or ovarian cancer syndrome; Hereditary breast and ovarian cancer; Breast and ovarian cancer. Identifiers: Orphanet 145, MedGen C0677776, MeSH D061325, MONDO:0003582. Disease mechanism: loss of function.

Submissions (4):

Evidence-based Network for the Interpretation of Germline Mutant Alleles (ENIGMA)
Classification: Pathogenic for Breast-ovarian cancer, familial, susceptibility to, 2. Last evaluated: 2017-12-15. Review status: reviewed by expert panel. Criteria: ENIGMA BRCA1/2 Classification Criteria (2017-06-29). Collection method: curation. Allele origin: germline. Study: ENIGMA.
Comment: Variant allele predicted to encode a truncated non-functional protein.

Labcorp Genetics (formerly Invitae), Labcorp
Classification: Pathogenic for Hereditary breast ovarian cancer syndrome. Last evaluated: 2024-05-15. Review status: criteria provided, single submitter. Criteria: Invitae Variant Classification Sherloc (09022015). Collection method: clinical testing. Allele origin: germline. Not counted in ClinVar's aggregate classification.
Comment: This sequence change creates a premature translational stop signal (p.Thr630Glnfs*12) in the BRCA2 gene. It is expected to result in an absent or disrupted protein product. Loss-of-function variants in BRCA2 are known to be pathogenic (PMID: 20104584). This variant is present in population databases (no rsID available, gnomAD 0.007%). This premature translational stop signal has been observed in individual(s) with breast cancer (PMID: 26287763). This variant is also known as c.2115del7. ClinVar contains an entry for this variant (Variation ID: 438956). For these reasons, this variant has been classified as Pathogenic.

Color Diagnostics, LLC DBA Color Health
Classification: Pathogenic for Hereditary cancer-predisposing syndrome. Last evaluated: 2020-09-29. Review status: criteria provided, single submitter. Criteria: ACMG Guidelines, 2015. Collection method: clinical testing. Allele origin: germline. Not counted in ClinVar's aggregate classification.
Comment: This variant deletes 7 nucleotides in exon 10 of the BRCA2 gene, creating a frameshift and premature translation stop signal. This variant is expected to result in an absent or non-functional protein product. This variant has been reported in an individual affected with breast cancer (PMID: 26287763). This variant has also been identified in 1/241046 chromosomes in the general population by the Genome Aggregation Database (gnomAD). Loss of BRCA2 function is a known mechanism of disease. Based on the available evidence, this variant is classified as Pathogenic.

Quest Diagnostics Nichols Institute San Juan Capistrano
Classification: Pathogenic. Last evaluated: 2017-07-14. Review status: criteria provided, single submitter. Criteria: Quest Diagnostics criteria. Collection method: clinical testing. Allele origin: germline. Not counted in ClinVar's aggregate classification.

Literature cited by the submitters: PubMed 20104584 (cited by Labcorp Genetics (formerly Invitae), Labcorp); PubMed 26287763 (cited by Labcorp Genetics (formerly Invitae), Labcorp and Quest Diagnostics Nichols Institute San Juan Capistrano).